The following is an entry in ClinVar:

ClinVar aggregate classification (germline): Conflicting classifications of pathogenicity. Review status: criteria provided, conflicting classifications (1 of 4 stars). 3 submissions from 3 submitters: Uncertain significance (2); Likely benign (1). Last evaluated 2023-07-27.

Conditions:
Congenital dyserythropoietic anemia, type I. Also called: Dyserythropoietic anemia, congenital type 1. Identifiers: Orphanet 98869, MedGen C0271933, MONDO:0020337. Disease mechanism: loss of function.
Anemia, congenital dyserythropoietic, type 1a (CDAN1A). Also called: CDAN1-Related Congenital Dyserythropoietic Anemia; DYSERYTHROPOIETIC ANEMIA, CONGENITAL, TYPE Ia. Identifiers: MedGen C5574667, MONDO:0009135, OMIM 224120.

Allele frequency attached by ClinVar (database versions not stated): ExAC 0.00013; gnomAD 0.00020 and 0.00023; TOPMed 0.00032.
gnomAD v4.1: 54 of 1,549,526 alleles (0.0035%); highest among the groups gnomAD compares: African/African-American, 0.071%; no homozygotes.

Submissions (3):

ARUP Laboratories, Molecular Genetics and Genomics, ARUP Laboratories
Classification: Uncertain significance for Anemia, congenital dyserythropoietic, type 1a. Last evaluated: 2023-07-27. Review status: criteria provided, single submitter. Criteria: ARUP Molecular Germline Variant Investigation Process 2024. Collection method: clinical testing. Allele origin: germline.

Labcorp Genetics (formerly Invitae), Labcorp
Classification: Uncertain significance. Last evaluated: 2022-03-18. Review status: criteria provided, single submitter. Criteria: Invitae Variant Classification Sherloc (09022015). Collection method: clinical testing. Allele origin: germline.
Comment: This variant has not been reported in the literature in individuals affected with CDAN1-related conditions. The frequency data for this variant in the population databases is considered unreliable, as metrics indicate poor data quality at this position in the gnomAD database. This sequence change replaces arginine, which is basic and polar, with histidine, which is basic and polar, at codon 63 of the CDAN1 protein (p.Arg63His). ClinVar contains an entry for this variant (Variation ID: 886206). In summary, the available evidence is currently insufficient to determine the role of this variant in disease. Therefore, it has been classified as a Variant of Uncertain Significance. Algorithms developed to predict the effect of missense changes on protein structure and function are either unavailable or do not agree on the potential impact of this missense change (SIFT: "Deleterious"; PolyPhen-2: "Probably Damaging"; Align-GVGD: "Class C0").

Illumina Laboratory Services, Illumina
Classification: Likely benign for Anemia, congenital dyserythropoietic, type 1a. Last evaluated: 2018-01-13. Review status: criteria provided, single submitter. Criteria: ICSL Variant Classification Criteria 13 December 2019. Collection method: clinical testing. Allele origin: germline.
Comment: This variant was observed in the ICSL laboratory as part of a predisposition screen in an ostensibly healthy population. It had not been previously curated by ICSL or reported in the Human Gene Mutation Database (HGMD: prior to June 1st, 2018), and was therefore a candidate for classification through an automated scoring system. Utilizing variant allele frequency, disease prevalence and penetrance estimates, and inheritance mode, an automated score was calculated to assess if this variant is too frequent to cause the disease. Based on the score and internal cut-off values, a variant classified as likely benign is not then subjected to further curation. The score for this variant resulted in a classification of likely benign for this disease.

NM_138477.4(CDAN1):c.188G>A (p.Arg63His)

Gene: CDAN1 (codanin 1; minus strand). Cytogenetic location: 15q15.2.
Variant type: single nucleotide variant.
Coding change: c.188G>A on transcript NM_138477.4 (MANE Select); coding-DNA position 188, G replaced by A.
Protein change: p.Arg63His; replaces arginine 63 with histidine.
Molecular consequence: missense variant.
Genome position (GRCh38, 1-based): chr15:42,736,683, C>T on the plus strand (G>A on the coding strand, the complement: CDAN1 is on the minus strand). VCF-style: chr15-42736683-C-T. GRCh37 (hg19) VCF-style: chr15-43028881-C-T.
Other names: short protein forms R63H.
Identifiers: ClinVar variation 886206 (VCV000886206.7), dbSNP rs772157159, ClinGen allele CA7516440.